The following is an entry in ClinVar:

NM_000038.6(APC):c.2302C>G (p.His768Asp)

Gene: APC (APC regulator of Wnt signaling pathway; plus strand). Cytogenetic location: 5q22.2.
Variant type: single nucleotide variant.
Coding change: c.2302C>G on transcript NM_000038.6 (MANE Select); coding-DNA position 2302, C replaced by G.
Protein change: p.His768Asp; replaces histidine 768 with aspartic acid.
Molecular consequence: missense variant.
Genome position (GRCh38, 1-based): chr5:112,837,896, C>G. VCF-style: chr5-112837896-C-G. GRCh37 (hg19) VCF-style: chr5-112173593-C-G.
Other names: c.2302C>G, p.His768Asp (NM_001127510.3, NM_001354895.2); c.2248C>G, p.His750Asp (NM_001127511.3); c.2356C>G, p.His786Asp (NM_001354896.2); c.2332C>G, p.His778Asp (NM_001354897.2); c.2227C>G, p.His743Asp (NM_001354898.2); c.2218C>G, p.His740Asp (NM_001354899.2); c.2179C>G, p.His727Asp (NM_001354900.2); c.2125C>G, p.His709Asp (NM_001354901.2); and 5 more; short protein forms H642D, H740D, H750D, H608D, H667D, H768D, H786D, H709D.
Identifiers: ClinVar variation 924707 (VCV000924707.8), dbSNP rs1561576022, ClinGen allele CA16026377.

ClinVar aggregate classification (germline): Uncertain significance. Review status: criteria provided, multiple submitters, no conflicts (2 of 4 stars). 3 submissions from 3 submitters: Uncertain significance (3). Last evaluated 2026-08-25.

Conditions:
Hereditary cancer-predisposing syndrome. Also called: Neoplastic Syndromes, Hereditary; Hereditary Cancer Syndrome; Tumor predisposition; Hereditary neoplastic syndrome. Identifiers: Orphanet 140162, MedGen C0027672, MeSH D009386, MONDO:0015356.
Familial adenomatous polyposis 1 (FAP1). Also called: FAMILIAL ADENOMATOUS POLYPOSIS 1, ATTENUATED; POLYPOSIS, ADENOMATOUS INTESTINAL. Identifiers: MedGen C2713442, MONDO:0021056, OMIM 175100. Disease mechanism: loss of function.

Submissions (3):

Ambry Genetics
Classification: Uncertain significance for Hereditary cancer-predisposing syndrome. Last evaluated: 2026-08-25. Review status: criteria provided, single submitter. Criteria: Ambry Variant Classification Scheme 2023. Collection method: clinical testing. Allele origin: germline.
Comment: The p.H768D variant (also known as c.2302C>G), located in coding exon 15 of the APC gene, results from a C to G substitution at nucleotide position 2302. The histidine at codon 768 is replaced by aspartic acid, an amino acid with similar properties. This amino acid position is conserved. In addition, in silico predictors for this gene do not accurately predict pathogenicity. Based on the available evidence, the clinical significance of this variant remains unclear.

Color Diagnostics, LLC DBA Color Health
Classification: Uncertain significance for Hereditary cancer-predisposing syndrome. Last evaluated: 2024-03-07. Review status: criteria provided, single submitter. Criteria: ACMG Guidelines, 2015. Collection method: clinical testing. Allele origin: germline.
Comment: This missense variant replaces histidine with aspartic acid at codon 768 of the APC protein. Computational prediction tool is inconclusive regarding the impact of this variant on protein structure and function (internally defined REVEL score threshold 0.5 < inconclusive < 0.7, PMID: 27666373). Splice site prediction tools suggest that this variant may not impact RNA splicing. To our knowledge, functional studies have not been performed for this variant. This variant has not been reported in individuals affected with hereditary cancer in the literature. This variant has not been identified in the general population by the Genome Aggregation Database (gnomAD). The available evidence is insufficient to determine the role of this variant in disease conclusively. Therefore, this variant is classified as a Variant of Uncertain Significance.

Labcorp Genetics (formerly Invitae), Labcorp
Classification: Uncertain significance for Familial adenomatous polyposis 1. Last evaluated: 2022-11-25. Review status: criteria provided, single submitter. Criteria: Invitae Variant Classification Sherloc (09022015). Collection method: clinical testing. Allele origin: germline.
Comment: This sequence change replaces histidine, which is basic and polar, with aspartic acid, which is acidic and polar, at codon 768 of the APC protein (p.His768Asp). This variant is not present in population databases (gnomAD no frequency). This variant has not been reported in the literature in individuals affected with APC-related conditions. ClinVar contains an entry for this variant (Variation ID: 924707). Advanced modeling of protein sequence and biophysical properties (such as structural, functional, and spatial information, amino acid conservation, physicochemical variation, residue mobility, and thermodynamic stability) performed at Invitae indicates that this missense variant is not expected to disrupt APC protein function. In summary, the available evidence is currently insufficient to determine the role of this variant in disease. Therefore, it has been classified as a Variant of Uncertain Significance.